The following is an entry in ClinVar:

NM_001009999.3(KDM1A):c.1288G>A (p.Val430Met)

Gene: KDM1A (lysine demethylase 1A; plus strand). Cytogenetic location: 1p36.12.
Variant type: single nucleotide variant.
Coding change: c.1288G>A on transcript NM_001009999.3 (MANE Select); coding-DNA position 1288, G replaced by A.
Protein change: p.Val430Met; replaces valine 430 with methionine.
Molecular consequence: missense variant.
Genome position (GRCh38, 1-based): chr1:23,068,647, G>A. VCF-style: chr1-23068647-G-A. GRCh37 (hg19) VCF-style: chr1-23395140-G-A.
Other names: c.1216G>A, p.Val406Met (NM_001363654.2, NM_001410763.1, NM_015013.4); c.1276G>A, p.Val426Met (NM_001410762.1); short protein forms V406M, V426M, V430M.
Identifiers: ClinVar variation 2863210 (VCV002863210.3), dbSNP rs2522773875, ClinGen allele CA338964723.

ClinVar aggregate classification (germline): Uncertain significance (1 of 4 stars; one submission).

Allele frequency attached by ClinVar (database versions not stated): gnomAD exomes below 0.00001.

Submission:

Labcorp Genetics (formerly Invitae), Labcorp
Classification: Uncertain significance. Last evaluated: 2023-06-22. Review status: criteria provided, single submitter. Criteria: Invitae Variant Classification Sherloc (09022015). Collection method: clinical testing. Allele origin: germline.
Comment: In summary, the available evidence is currently insufficient to determine the role of this variant in disease. Therefore, it has been classified as a Variant of Uncertain Significance. This sequence change replaces valine, which is neutral and non-polar, with methionine, which is neutral and non-polar, at codon 430 of the KDM1A protein (p.Val430Met). This variant is not present in population databases (gnomAD no frequency). This variant has not been reported in the literature in individuals affected with KDM1A-related conditions. Advanced modeling of protein sequence and biophysical properties (such as structural, functional, and spatial information, amino acid conservation, physicochemical variation, residue mobility, and thermodynamic stability) performed at Invitae indicates that this missense variant is not expected to disrupt KDM1A protein function.